The following is an entry in ClinVar:

NM_001378183.1(PIEZO2):c.6369A>C (p.Glu2123Asp)

Gene: PIEZO2 (piezo type mechanosensitive ion channel component 2; minus strand). Cytogenetic location: 18p11.22.
Variant type: single nucleotide variant.
Coding change: c.6369A>C on transcript NM_001378183.1 (MANE Select); coding-DNA position 6369, A replaced by C.
Protein change: p.Glu2123Asp; replaces glutamic acid 2123 with aspartic acid.
Molecular consequence: missense variant.
Genome position (GRCh38, 1-based): chr18:10,702,061, T>G on the plus strand (A>C on the coding strand, the complement: PIEZO2 is on the minus strand). VCF-style: chr18-10702061-T-G. GRCh37 (hg19) VCF-style: chr18-10702059-T-G.
Other names: c.6105A>C, p.Glu2035Asp (NM_001410871.1); c.6030A>C, p.Glu2010Asp (NM_022068.4); short protein forms E2123D, E2035D, E2010D.
Identifiers: ClinVar variation 4779182 (VCV004779182.1).

ClinVar aggregate classification (germline): Uncertain significance (1 of 4 stars; one submission).

Submission:

Labcorp Genetics (formerly Invitae), Labcorp
Classification: Uncertain significance. Last evaluated: 2025-09-23. Review status: criteria provided, single submitter. Criteria: Invitae Variant Classification Sherloc (09022015). Collection method: clinical testing. Allele origin: germline.
Comment: This sequence change replaces glutamic acid, which is acidic and polar, with aspartic acid, which is acidic and polar, at codon 2010 of the PIEZO2 protein (p.Glu2010Asp). This variant is not present in population databases (gnomAD no frequency). This variant has not been reported in the literature in individuals affected with PIEZO2-related conditions. Invitae Evidence Modeling of protein sequence and biophysical properties (such as structural, functional, and spatial information, amino acid conservation, physicochemical variation, residue mobility, and thermodynamic stability) indicates that this missense variant is not expected to disrupt PIEZO2 protein function with a negative predictive value of 80%. In summary, the available evidence is currently insufficient to determine the role of this variant in disease. Therefore, it has been classified as a Variant of Uncertain Significance.